The following is an entry in ClinVar:

NM_005045.4(RELN):c.2376T>C (p.Gly792=)

Gene: RELN (reelin; minus strand). Cytogenetic location: 7q22.1.
Variant type: single nucleotide variant.
Coding change: c.2376T>C on transcript NM_005045.4 (MANE Select); coding-DNA position 2376, T replaced by C.
Protein change: p.Gly792=; no amino-acid change (glycine 792 retained).
Molecular consequence: synonymous variant.
Genome position (GRCh38, 1-based): chr7:103,635,514, A>G on the plus strand (T>C on the coding strand, the complement: RELN is on the minus strand). VCF-style: chr7-103635514-A-G. GRCh37 (hg19) VCF-style: chr7-103275961-A-G.
Other names: c.2376T>C, p.Gly792= (NM_173054.3).
Identifiers: ClinVar variation 95215 (VCV000095215.22), dbSNP rs398124191, ClinGen allele CA222814.
Genomic context (GRCh38, chr7:103,635,514, plus strand): 5'-ATGCTCCAGGAGTTTCCAAGTTATCCCATTATCATAAGAATAATGCAACAAAACTCCTTC[A>G]CCAGGCTGATCAGGGGCTCTGCACGTGCTCAGAACAGATTTGCTCCCCAGTCTCAGTGTG-3'
Protein context (NP_005036.2, residues 782-802): LSTCRAPDQP[Gly792=]EGVLLHYSYD

ClinVar aggregate classification (germline): Conflicting classifications of pathogenicity. Review status: criteria provided, conflicting classifications (1 of 4 stars). 7 submissions from 7 submitters: Uncertain significance (2); Likely benign (3). 2 of the submissions do not count toward it. Last evaluated 2026-01-31.

Conditions:
Norman-Roberts syndrome (LIS2). Also called: Lissencephaly 2 (Norman-Roberts type). Identifiers: Orphanet 89844, MedGen C0796089, MONDO:0009760, OMIM 257320.
Familial temporal lobe epilepsy 7. Identifiers: Orphanet 101046, MedGen C4225327, MONDO:0014639, OMIM 616436.

Allele frequency attached by ClinVar (database versions not stated): gnomAD exomes 0.00013 and 0.00029; ExAC 0.00015; gnomAD 0.00015 and 0.00016; TOPMed 0.00017.
gnomAD v4.1: 437 of 1,613,924 alleles (0.027%); highest among the groups gnomAD compares: Non-Finnish European, 0.036%; no homozygotes.

Submissions (7):

Labcorp Genetics (formerly Invitae), Labcorp
Classification: Likely benign for Familial temporal lobe epilepsy 7; Norman-Roberts syndrome. Last evaluated: 2026-01-31. Review status: criteria provided, single submitter. Criteria: Invitae Variant Classification Sherloc (09022015). Collection method: clinical testing. Allele origin: germline.

Blueprint Genetics
Classification: Likely benign. Last evaluated: 2024-07-02. Review status: criteria provided, single submitter. Criteria: ACMG Guidelines, 2015. Collection method: clinical testing. Allele origin: germline.

GeneDx
Classification: Likely benign. Last evaluated: 2018-01-22. Review status: criteria provided, single submitter. Criteria: GeneDx Variant Classification (06012015). Collection method: clinical testing. Allele origin: germline. Affected: yes.
Comment: This variant is considered likely benign or benign based on one or more of the following criteria: it is a conservative change, it occurs at a poorly conserved position in the protein, it is predicted to be benign by multiple in silico algorithms, and/or has population frequency not consistent with disease.

Illumina Laboratory Services, Illumina
Classification: Uncertain significance for Norman-Roberts syndrome. Last evaluated: 2018-01-13. Review status: criteria provided, single submitter. Criteria: ICSL Variant Classification Criteria 13 December 2019. Collection method: clinical testing. Allele origin: germline.

Eurofins Ntd Llc (ga)
Classification: Uncertain significance. Last evaluated: 2017-10-17. Review status: criteria provided, single submitter. Criteria: EGL Classification Definitions 2015. Collection method: clinical testing. Allele origin: germline. Observed: 4 variant alleles, 3 heterozygotes.

Clinical Genetics DNA and cytogenetics Diagnostics Lab, Erasmus MC, Erasmus Medical Center
Classification: Likely benign. Review status: no assertion criteria provided. Collection method: clinical testing. Allele origin: germline. Affected: yes. Study: VKGL Data-share Consensus. Not counted in ClinVar's aggregate classification.

Genome Diagnostics Laboratory, University Medical Center Utrecht
Classification: Likely benign. Review status: no assertion criteria provided. Collection method: clinical testing. Allele origin: germline. Affected: yes. Study: VKGL Data-share Consensus. Not counted in ClinVar's aggregate classification.